The following is an entry in ClinVar:

ClinVar aggregate classification (germline): Uncertain significance (1 of 4 stars; one submission).

Conditions:
Combined immunodeficiency due to LRBA deficiency. Also called: Common variable immunodeficiency 8, with autoimmunity. Identifiers: Orphanet 445018, MedGen C3553512, MONDO:0013863, OMIM 614700.

Submission:

Labcorp Genetics (formerly Invitae), Labcorp
Classification: Uncertain significance for Combined immunodeficiency due to LRBA deficiency. Last evaluated: 2022-08-16. Review status: criteria provided, single submitter. Criteria: Invitae Variant Classification Sherloc (09022015). Collection method: clinical testing. Allele origin: germline.
Comment: This variant results in a copy number gain of the genomic region encompassing exon(s) 2-35 of the LRBA gene. This region includes the initiator codon of the gene. This copy number gain extends beyond the assayed region for this gene and therefore may encompass additional genes. As the precise location of this event is unknown, it may be in tandem or it may be located elsewhere in the genome. This variant has not been reported in the literature in individuals affected with LRBA-related conditions. Experimental studies and prediction algorithms are not available or were not evaluated, and the functional significance of this variant is currently unknown. In summary, the available evidence is currently insufficient to determine the role of this variant in disease. Therefore, it has been classified as a Variant of Uncertain Significance.

NC_000004.11:g.(?_151682915)_(151935794_?)dup

Gene: LRBA (LPS responsive beige-like anchor protein; minus strand). Cytogenetic location: 4q31.3.
Variant type: Duplication.
Identifiers: ClinVar variation 1436989 (VCV001436989.4).